The following is an entry in ClinVar:

ClinVar aggregate classification (germline): Uncertain significance (1 of 4 stars; one submission).

gnomAD v4.1: 1 of 1,612,016 alleles (0.000062%); highest among the groups gnomAD compares: South Asian, 0.0011%; no homozygotes.

Submission:

GeneDx
Classification: Uncertain significance. Last evaluated: 2026-04-21. Review status: criteria provided, single submitter. Criteria: GeneDx Variant Classification Process June 2021. Collection method: clinical testing. Allele origin: germline.
Comment: Not observed at significant frequency in large population cohorts (gnomAD); In silico analysis supports that this missense variant has a deleterious effect on protein structure/function; Has not been previously published as pathogenic or benign to our knowledge

NM_003791.4(MBTPS1):c.1101C>G (p.Ile367Met)

Gene: MBTPS1 (membrane bound transcription factor peptidase, site 1; minus strand). Cytogenetic location: 16q23.3.
Variant type: single nucleotide variant.
Coding change: c.1101C>G on transcript NM_003791.4 (MANE Select); coding-DNA position 1101, C replaced by G.
Protein change: p.Ile367Met; replaces isoleucine 367 with methionine.
Molecular consequence: missense variant.
Genome position (GRCh38, 1-based): chr16:84,087,391, G>C on the plus strand (C>G on the coding strand, the complement: MBTPS1 is on the minus strand). VCF-style: chr16-84087391-G-C. GRCh37 (hg19) VCF-style: chr16-84120996-G-C.
Other names: short protein forms I367M.
Identifiers: ClinVar variation 5037385 (VCV005037385.1).